The following is an entry in ClinVar:

ClinVar aggregate classification (germline): Uncertain significance. Review status: criteria provided, multiple submitters, no conflicts (2 of 4 stars). 2 submissions from 2 submitters: Uncertain significance (2). Last evaluated 2024-03-12.

Conditions:
Danon disease. Also called: ANTOPOL DISEASE; PSEUDOGLYCOGENOSIS II; GSD IIb; LYSOSOMAL GLYCOGEN STORAGE DISEASE WITHOUT ACID MALTASE DEFICIENCY; Glycogen Storage Disease Type IIb. Identifiers: Orphanet 34587, MedGen C0878677, MONDO:0010281, OMIM 300257.

Submissions (2):

Labcorp Genetics (formerly Invitae), Labcorp
Classification: Uncertain significance for Danon disease. Last evaluated: 2024-03-12. Review status: criteria provided, single submitter. Criteria: Invitae Variant Classification Sherloc (09022015). Collection method: clinical testing. Allele origin: germline.
Comment: This sequence change replaces isoleucine, which is neutral and non-polar, with threonine, which is neutral and polar, at codon 201 of the LAMP2 protein (p.Ile201Thr). This variant is not present in population databases (gnomAD no frequency). This variant has not been reported in the literature in individuals affected with LAMP2-related conditions. ClinVar contains an entry for this variant (Variation ID: 228786). Advanced modeling of protein sequence and biophysical properties (such as structural, functional, and spatial information, amino acid conservation, physicochemical variation, residue mobility, and thermodynamic stability) performed at Invitae indicates that this missense variant is not expected to disrupt LAMP2 protein function with a negative predictive value of 80%. In summary, the available evidence is currently insufficient to determine the role of this variant in disease. Therefore, it has been classified as a Variant of Uncertain Significance.

Laboratory for Molecular Medicine, Mass General Brigham Personalized Medicine
Classification: Uncertain significance. Last evaluated: 2015-07-16. Review status: criteria provided, single submitter. Criteria: LMM Criteria. Collection method: clinical testing. Allele origin: germline. Observed: 1 variant allele.
Comment: Variant classified as Uncertain Significance - Favor Benign. The p.Ile201Thr var iant in LAMP2 has not been previously reported in individuals with cardiomyopath y or in large population studies. Pathogenic missense variants in LAMP2 are exce edingly rare (nearly all the disease-causing variants cause a truncated or absen t protein). In addition, computational prediction tools and conservation analys is suggest that the p.Ile201Thr variant may not impact the protein, though this information is not predictive enough to rule out pathogenicity. In summary, the clinical significance of the p.Ile201Thr variant is uncertain although it is sus pected to be more likely benign.

NM_002294.3(LAMP2):c.602T>C (p.Ile201Thr)

Gene: LAMP2 (lysosome associated membrane protein 2; minus strand). Cytogenetic location: Xq24.
Variant type: single nucleotide variant.
Coding change: c.602T>C on transcript NM_002294.3 (MANE Select); coding-DNA position 602, T replaced by C.
Protein change: p.Ile201Thr; replaces isoleucine 201 with threonine.
Molecular consequence: missense variant.
Genome position (GRCh38, 1-based): chrX:120,447,980, A>G on the plus strand (T>C on the coding strand, the complement: LAMP2 is on the minus strand). VCF-style: chrX-120447980-A-G. GRCh37 (hg19) VCF-style: chrX-119581835-A-G.
Other names: c.602T>C, p.Ile201Thr (NM_001122606.1, NM_013995.2); short protein forms I201T.
Identifiers: ClinVar variation 228786 (VCV000228786.6), dbSNP rs876657844, ClinGen allele CA10577160.